The following is an entry in ClinVar:

ClinVar aggregate classification (germline): Conflicting classifications of pathogenicity. Review status: criteria provided, conflicting classifications (1 of 4 stars). 2 submissions from 2 submitters: Uncertain significance (1); Likely benign (1). Last evaluated 2025-11-03.

Conditions:
TTN-related disorder. Also called: TTN-related disorders; TTN-related condition; TTN-related disease.

Allele frequency attached by ClinVar (database versions not stated): ExAC 0.00004; gnomAD 0.00004; TOPMed 0.00004; gnomAD exomes 0.00009.
gnomAD v4.1: 137 of 1,597,170 alleles (0.0086%); highest among the groups gnomAD compares: Non-Finnish European, 0.011%; no homozygotes.

Submissions (2):

PreventionGenetics, part of Exact Sciences
Classification: Likely benign for TTN-related condition. Last evaluated: 2025-11-03. Review status: criteria provided, single submitter. Criteria: ACMG Guidelines, 2015. Collection method: clinical testing. Allele origin: germline.
Comment: This variant is classified as likely benign based on ACMG/AMP sequence variant interpretation guidelines (Richards et al. 2015 PMID: 25741868, with internal and published modifications).

Athena Diagnostics
Classification: Uncertain significance. Last evaluated: 2021-07-17. Review status: criteria provided, single submitter. Criteria: Athena Diagnostics Criteria. Collection method: clinical testing. Allele origin: unknown.

NM_001267550.2(TTN):c.22240+5T>C

Gene: TTN (titin; minus strand). Cytogenetic location: 2q31.2.
Variant type: single nucleotide variant.
Coding change: c.22240+5T>C on transcript NM_001267550.2 (MANE Select); 5 bases into the intron after coding-DNA position 22240, T replaced by C.
Molecular consequence: intron variant.
Genome position (GRCh38, 1-based): chr2:178,722,654, A>G on the plus strand (T>C on the coding strand, the complement: TTN is on the minus strand). VCF-style: chr2-178722654-A-G. GRCh37 (hg19) VCF-style: chr2-179587381-A-G.
Other names: c.13282+15428T>C (NM_003319.4); c.13858+15428T>C (NM_133437.4); c.13657+15428T>C (NM_133432.3); c.18508+5T>C (NM_133378.4); c.21289+5T>C (NM_001256850.1).
Identifiers: ClinVar variation 1807492 (VCV001807492.2), dbSNP rs747238891, ClinGen allele CA2000887.